The following is an entry in ClinVar:

ClinVar aggregate classification (germline): Uncertain significance (1 of 4 stars; one submission).

Conditions:
Nephronophthisis 15 (NPHP15). Identifiers: Orphanet 3156, MedGen C3541853, MONDO:0013917, OMIM 614845.

gnomAD v4.1: 1 of 1,603,696 alleles (0.000062%); highest among the groups gnomAD compares: Non-Finnish European, 0.000085%; no homozygotes.

Submission:

Labcorp Genetics (formerly Invitae), Labcorp
Classification: Uncertain significance for Nephronophthisis 15. Last evaluated: 2025-07-01. Review status: criteria provided, single submitter. Criteria: Invitae Variant Classification Sherloc (09022015). Collection method: clinical testing. Allele origin: germline.
Comment: This sequence change replaces alanine, which is neutral and non-polar, with glycine, which is neutral and non-polar, at codon 764 of the CEP164 protein (p.Ala764Gly). This variant is not present in population databases (gnomAD no frequency). This variant has not been reported in the literature in individuals affected with CEP164-related conditions. Invitae Evidence Modeling of protein sequence and biophysical properties (such as structural, functional, and spatial information, amino acid conservation, physicochemical variation, residue mobility, and thermodynamic stability) indicates that this missense variant is not expected to disrupt CEP164 protein function with a negative predictive value of 80%. In summary, the available evidence is currently insufficient to determine the role of this variant in disease. Therefore, it has been classified as a Variant of Uncertain Significance.

NM_014956.5(CEP164):c.2291C>G (p.Ala764Gly)

Gene: CEP164 (centrosomal protein 164; plus strand). Cytogenetic location: 11q23.3.
Variant type: single nucleotide variant.
Coding change: c.2291C>G on transcript NM_014956.5 (MANE Select); coding-DNA position 2291, C replaced by G.
Protein change: p.Ala764Gly; replaces alanine 764 with glycine.
Molecular consequence: missense variant.
Genome position (GRCh38, 1-based): chr11:117,392,233, C>G. VCF-style: chr11-117392233-C-G. GRCh37 (hg19) VCF-style: chr11-117262949-C-G.
Other names: c.2300C>G, p.Ala767Gly (NM_001271933.2, NM_001440949.1); c.2291C>G, p.Ala764Gly (NM_001440950.1, NM_001440951.1, NM_001440953.1); c.2126C>G, p.Ala709Gly (NM_001440952.1, NM_001440968.1, NM_001440969.1); c.2213C>G, p.Ala738Gly (NM_001440954.1, NM_001440955.1, NM_001440958.1 and 1 more transcripts); c.2204C>G, p.Ala735Gly (NM_001440956.1, NM_001440957.1); c.2162C>G, p.Ala721Gly (NM_001440960.1); c.2153C>G, p.Ala718Gly (NM_001440961.1, NM_001440967.1); c.2144C>G, p.Ala715Gly (NM_001440962.1, NM_001440963.1, NM_001440964.1 and 4 more transcripts); and 7 more; short protein forms A689G, A694G, A709G, A715G, A767G, A639G, A668G, A711G.
Identifiers: ClinVar variation 4695463 (VCV004695463.1).
Genomic context (GRCh38, chr11:117,392,233, plus strand): 5'-ACCATGATCAGTACCTGGCCAGCTTCACTCACAGTCCCTTTGCTCCTCCCCAGGCTGTGG[C>G]AACGCTGGAGAAGGAGCACAGTGCTGAGCTGGAGCGGCTCTGCTCCTCATTGGAGGCCAA-3'
Protein context (NP_055771.4, residues 754-774): QLEGERKEAV[Ala764Gly]TLEKEHSAEL